The following is an entry in ClinVar:

NM_001142800.2(EYS):c.1803T>A (p.Cys601Ter)

Gene: EYS (EGF-like photoreceptor maintenance factor; minus strand). Cytogenetic location: 6q12.
Variant type: single nucleotide variant.
Coding change: c.1803T>A on transcript NM_001142800.2 (MANE Select); coding-DNA position 1803, T replaced by A.
Protein change: p.Cys601Ter; replaces cysteine 601 with a stop codon.
Molecular consequence: nonsense.
Genome position (GRCh38, 1-based): chr6:65,296,083, A>T on the plus strand (T>A on the coding strand, the complement: EYS is on the minus strand). VCF-style: chr6-65296083-A-T. GRCh37 (hg19) VCF-style: chr6-66005976-A-T.
Other names: c.1803T>A, p.Cys601Ter (NM_001292009.2); short protein forms C601*.
Identifiers: ClinVar variation 2772429 (VCV002772429.3), dbSNP rs2533013352, ClinGen allele CA364659790.
Genomic context (GRCh38, chr6:65,296,083, plus strand): 5'-CAGGCAGAGGCCATGCACTGATATACTGTGGTTCCCTAAGCAATAGTCAACATTGACAAC[A>T]CACAATCTGCCAATGTAACTAAGAGAACAGCTGCATCTGAAACACAGAGAAATGAAAAAC-3'

ClinVar aggregate classification (germline): Pathogenic (1 of 4 stars; one submission).

Submission:

Labcorp Genetics (formerly Invitae), Labcorp
Classification: Pathogenic. Last evaluated: 2023-10-28. Review status: criteria provided, single submitter. Criteria: Invitae Variant Classification Sherloc (09022015). Collection method: clinical testing. Allele origin: germline.
Comment: This sequence change creates a premature translational stop signal (p.Cys601*) in the EYS gene. It is expected to result in an absent or disrupted protein product. Loss-of-function variants in EYS are known to be pathogenic (PMID: 18836446, 20333770). This variant is not present in population databases (gnomAD no frequency). This variant has not been reported in the literature in individuals affected with EYS-related conditions. For these reasons, this variant has been classified as Pathogenic.

Literature cited by the submitters: PubMed 18836446; PubMed 20333770.